The following is an entry in ClinVar:

ClinVar aggregate classification (germline): Uncertain significance (1 of 4 stars; one submission).

Conditions:
Atrioventricular septal defect 4 (AVSD4). Identifiers: MedGen C3280781, MONDO:0013747, OMIM 614430.

Allele frequency attached by ClinVar (database versions not stated): gnomAD 0.00001.
gnomAD v4.1: 2 of 1,300,418 alleles (0.00015%); highest among the groups gnomAD compares: African/African-American, 0.0015%; no homozygotes.

Submission:

Labcorp Genetics (formerly Invitae), Labcorp
Classification: Uncertain significance for Atrioventricular septal defect 4. Last evaluated: 2022-09-13. Review status: criteria provided, single submitter. Criteria: Invitae Variant Classification Sherloc (09022015). Collection method: clinical testing. Allele origin: germline.
Comment: ClinVar contains an entry for this variant (Variation ID: 655547). In summary, the available evidence is currently insufficient to determine the role of this variant in disease. Therefore, it has been classified as a Variant of Uncertain Significance. Advanced modeling of protein sequence and biophysical properties (such as structural, functional, and spatial information, amino acid conservation, physicochemical variation, residue mobility, and thermodynamic stability) performed at Invitae indicates that this missense variant is not expected to disrupt GATA4 protein function. This variant has not been reported in the literature in individuals affected with GATA4-related conditions. This variant is not present in population databases (gnomAD no frequency). This sequence change replaces leucine, which is neutral and non-polar, with valine, which is neutral and non-polar, at codon 117 of the GATA4 protein (p.Leu117Val).

NM_001308093.3(GATA4):c.349C>G (p.Leu117Val)

Gene: GATA4 (GATA binding protein 4). Cytogenetic location: 8p23.1.
Variant type: single nucleotide variant.
Coding change: c.349C>G on transcript NM_001308093.3 (MANE Select); coding-DNA position 349, C replaced by G.
Protein change: p.Leu117Val; replaces leucine 117 with valine.
Molecular consequence: missense variant. On other transcripts: intron variant (3).
Genome position (GRCh38, 1-based): chr8:11,708,661, C>G. VCF-style: chr8-11708661-C-G. GRCh37 (hg19) VCF-style: chr8-11566170-C-G.
Other names: c.349C>G, p.Leu117Val (NM_002052.5); c.-6+7883C>G (NM_001308094.2); c.-3+647C>G (NM_001374274.1); c.-3+4357C>G (NM_001374273.1); short protein forms L117V.
Identifiers: ClinVar variation 655547 (VCV000655547.10), dbSNP rs1265057798, ClinGen allele CA370309441.
Genomic context (GRCh38, chr8:11,708,661, plus strand): 5'-GCCGCTTACACCCCGCCGCCGGTGTCGCCGCGCTTCTCCTTCCCGGGGACCACCGGGTCC[C>G]TGGCGGCCGCCGCCGCCGCTGCCGCGGCCCGGGAAGCTGCGGCCTACAGCAGTGGCGGCG-3'
Protein context (NP_001295022.1, residues 107-127): RFSFPGTTGS[Leu117Val]AAAAAAAAAR